The following is an entry in ClinVar:

NC_000001.10:g.(?_161284190)_(161332229_?)dup

Gene: SDHC (succinate dehydrogenase complex subunit C; plus strand). Cytogenetic location: 1q23.3.
Variant type: Duplication.
Identifiers: ClinVar variation 465957 (VCV000465957.5).

ClinVar aggregate classification (germline): Uncertain significance (1 of 4 stars; one submission).

Conditions:
Pheochromocytoma/paraganglioma syndrome 3. Also called: SDHC-Related Hereditary Paraganglioma-Pheochromocytoma Syndrome (Paragangliomas 3); GLOMUS TUMORS, FAMILIAL, 3; SDHC-Related Hereditary Paraganglioma-Pheochromocytoma Syndrome; Paragangliomas 3. Identifiers: Orphanet 29072, MedGen C1854336, MONDO:0011544, OMIM 605373.
Gastrointestinal stromal tumor. Also called: Gastrointestinal stroma tumor; Gastrointestinal stromal tumor, somatic. Identifiers: Orphanet 44890, MedGen C0238198, MeSH D046152, MONDO:0011719, OMIM 606764, HP:0100723.

Submission:

Labcorp Genetics (formerly Invitae), Labcorp
Classification: Uncertain significance for Pheochromocytoma/paraganglioma syndrome 3; Gastrointestinal stromal tumor. Last evaluated: 2020-08-20. Review status: criteria provided, single submitter. Criteria: Invitae Variant Classification Sherloc (09022015). Collection method: clinical testing. Allele origin: germline.
Comment: This variant results in a copy number gain of the genomic region encompassing the full coding sequence of the SDHC gene. The boundaries of this event are unknown as they extend beyond the assayed region for this gene and therefore may encompass additional genes. As the precise location of this event is unknown, it may be in tandem or it may be located elsewhere in the genome. This variant has not been reported in the literature in individuals with SDHC-related conditions. Experimental studies and prediction algorithms are not available or were not evaluated, and the functional significance of this variant is currently unknown. In summary, the available evidence is currently insufficient to determine the role of this variant in disease. Therefore, it has been classified as a Variant of Uncertain Significance.